The following is an entry in ClinVar:

ClinVar aggregate classification (germline): Pathogenic/Likely pathogenic. Review status: criteria provided, multiple submitters, no conflicts (2 of 4 stars). 2 submissions from 2 submitters: Pathogenic (1); Likely pathogenic (1). Last evaluated 2025-09-25.

Conditions:
Familial thoracic aortic aneurysm and aortic dissection (TAAD). Also called: Thoracic aortic aneurysms and dissections. Identifiers: Orphanet 91387, MedGen C4707243, MONDO:0019625.
Marfan syndrome (MFS). Also called: MARFAN SYNDROME, TYPE I; Marfan syndrome type 1; Marfan's syndrome; Marfan syndrome, classic; FBN1-Related Marfan Syndrome. Identifiers: Orphanet 284963, Orphanet 558, MedGen C0024796, MONDO:0007947, OMIM 154700.

Submissions (2):

Mayo Clinic Laboratories, Mayo Clinic
Classification: Likely pathogenic. Last evaluated: 2025-09-25. Review status: criteria provided, single submitter. Criteria: ACMG Guidelines, 2015. Collection method: clinical testing. Allele origin: germline. Observed: 1 variant allele.
Comment: PP3, PP4, PM1_strong, PM2_supporting

Labcorp Genetics (formerly Invitae), Labcorp
Classification: Pathogenic for Marfan syndrome; Familial thoracic aortic aneurysm and aortic dissection. Last evaluated: 2025-06-01. Review status: criteria provided, single submitter. Criteria: Invitae Variant Classification Sherloc (09022015). Collection method: clinical testing. Allele origin: germline.
Comment: This sequence change replaces cysteine, which is neutral and slightly polar, with tryptophan, which is neutral and slightly polar, at codon 494 of the FBN1 protein (p.Cys494Trp). This variant is not present in population databases (gnomAD no frequency). This missense change has been observed in individual(s) with Marfan syndrome (internal data). ClinVar contains an entry for this variant (Variation ID: 1996097). Invitae Evidence Modeling of protein sequence and biophysical properties (such as structural, functional, and spatial information, amino acid conservation, physicochemical variation, residue mobility, and thermodynamic stability) indicates that this missense variant is expected to disrupt FBN1 protein function with a positive predictive value of 95%. This variant affects a cysteine residue in the EGF-like, TGFBP or hybrid motif domains of FBN1. Cysteine residues are believed to be involved in intramolecular disulfide bridges and have been shown to be important for FBN1 protein structure (PMID: 16905551, 19349279). In addition, missense substitutions affecting cysteine residues within these domains are significantly overrepresented among patients with Marfan syndrome (PMID: 16571647, 17701892). This variant disrupts the p.Cys494 amino acid residue in FBN1. Other variant(s) that disrupt this residue have been observed in individuals with FBN1-related conditions (PMID: 28973303; internal data), which suggests that this may be a clinically significant amino acid residue. For these reasons, this variant has been classified as Pathogenic.

Literature cited by the submitters: PubMed 16905551 (cited by Labcorp Genetics (formerly Invitae), Labcorp); PubMed 19349279 (cited by Labcorp Genetics (formerly Invitae), Labcorp); PubMed 16571647 (cited by Labcorp Genetics (formerly Invitae), Labcorp); PubMed 17701892 (cited by Labcorp Genetics (formerly Invitae), Labcorp); PubMed 28973303 (cited by Labcorp Genetics (formerly Invitae), Labcorp).

NM_000138.5(FBN1):c.1482T>G (p.Cys494Trp)

Gene: FBN1 (fibrillin 1; minus strand). Cytogenetic location: 15q21.1.
Variant type: single nucleotide variant.
Coding change: c.1482T>G on transcript NM_000138.5 (MANE Select); coding-DNA position 1482, T replaced by G.
Protein change: p.Cys494Trp; replaces cysteine 494 with tryptophan.
Molecular consequence: missense variant.
Genome position (GRCh38, 1-based): chr15:48,513,655, A>C on the plus strand (T>G on the coding strand, the complement: FBN1 is on the minus strand). VCF-style: chr15-48513655-A-C. GRCh37 (hg19) VCF-style: chr15-48805852-A-C.
Other names: p.Cys494Trp; c.1482T>G, p.Cys494Trp (NM_001406716.1); short protein forms C494W.
Identifiers: ClinVar variation 1996097 (VCV001996097.5), dbSNP rs2505614094, ClinGen allele CA392342799.
Genomic context (GRCh38, chr15:48,513,655, plus strand): 5'-CTGACAGGTGTACGAACCCTGGTTGTTAATACACTCACCACCAGCACAGGGGTTTTTCTC[A>C]CATTCATCAACATCTGCAAAGCACAATGTATTTTAGTGCAAAATTACATAGCAATACCTC-3'
Protein context (NP_000129.3, residues 484-504): LRGECIDVDE[Cys494Trp]EKNPCAGGEC